The following is an entry in ClinVar:

ClinVar aggregate classification (germline): Uncertain significance. Review status: criteria provided, multiple submitters, no conflicts (2 of 4 stars). 2 submissions from 2 submitters: Uncertain significance (2). Last evaluated 2025-09-09.

Conditions:
Inborn genetic diseases. Identifiers: MedGen C0950123, MeSH D030342.
Deficiency of ferroxidase (ACEP). Also called: Aceruloplasminemia; Deficiency of ceruloplasmin; NEURODEGENERATION WITH BRAIN IRON ACCUMULATION 10; Ceruloplasmin deficiency; Familial apoceruloplasmin deficiency; Hereditary ceruloplasmin deficiency. Identifiers: Orphanet 48818, MedGen C0878682, MONDO:0011426, OMIM 604290, HP:0025498.

Allele frequency attached by ClinVar (database versions not stated): ExAC 0.00002; gnomAD exomes 0.00002; gnomAD 0.00007 and 0.00009; TOPMed 0.00011; ESP Exome Variant Server 0.00015.

Submissions (2):

Ambry Genetics
Classification: Uncertain significance for Inborn genetic diseases. Last evaluated: 2025-09-09. Review status: criteria provided, single submitter. Criteria: Ambry Variant Classification Scheme 2023. Collection method: clinical testing. Allele origin: germline.

Labcorp Genetics (formerly Invitae), Labcorp
Classification: Uncertain significance for Deficiency of ferroxidase. Last evaluated: 2023-08-17. Review status: criteria provided, single submitter. Criteria: Invitae Variant Classification Sherloc (09022015). Collection method: clinical testing. Allele origin: germline.
Comment: ClinVar contains an entry for this variant (Variation ID: 1443995). In summary, the available evidence is currently insufficient to determine the role of this variant in disease. Therefore, it has been classified as a Variant of Uncertain Significance. Advanced modeling of protein sequence and biophysical properties (such as structural, functional, and spatial information, amino acid conservation, physicochemical variation, residue mobility, and thermodynamic stability) performed at Invitae indicates that this missense variant is not expected to disrupt CP protein function. This variant has not been reported in the literature in individuals affected with CP-related conditions. This variant is present in population databases (rs377373314, gnomAD 0.04%). This sequence change replaces glutamic acid, which is acidic and polar, with lysine, which is basic and polar, at codon 754 of the CP protein (p.Glu754Lys).

NM_000096.4(CP):c.2260G>A (p.Glu754Lys)

Gene: CP (ceruloplasmin; minus strand). Cytogenetic location: 3q24.
Variant type: single nucleotide variant.
Coding change: c.2260G>A on transcript NM_000096.4 (MANE Select); coding-DNA position 2260, G replaced by A.
Protein change: p.Glu754Lys; replaces glutamic acid 754 with lysine.
Molecular consequence: missense variant. On other transcripts: non-coding transcript variant (1).
Genome position (GRCh38, 1-based): chr3:149,185,264, C>T on the plus strand (G>A on the coding strand, the complement: CP is on the minus strand). VCF-style: chr3-149185264-C-T. GRCh37 (hg19) VCF-style: chr3-148903051-C-T.
Other names: c.2260G>A (NM_000096.3); short protein forms E754K.
Identifiers: ClinVar variation 1443995 (VCV001443995.5), dbSNP rs377373314, ClinGen allele CA2660811.
Genomic context (GRCh38, chr3:149,185,264, plus strand): 5'-CTGCTGAAATTGGGAATCAGAGTCTGGAGAATTACTTCTGCTCTTGTAAATGATGCAGCT[C>T]CTTTTCCCACTCCCTTTGTGGGGAATAATCCCATTCCACCTCCACTGCTGCGATATAGTA-3'
Protein context (NP_000087.2, residues 744-764): DYSPQREWEK[Glu754Lys]LHHLQEQNVS